The following is an entry in ClinVar:

NM_032578.4(MYPN):c.3737T>A (p.Leu1246Ter)

Gene: MYPN (myopalladin; plus strand). Cytogenetic location: 10q21.3.
Variant type: single nucleotide variant.
Coding change: c.3737T>A on transcript NM_032578.4 (MANE Select); coding-DNA position 3737, T replaced by A.
Protein change: p.Leu1246Ter; replaces leucine 1246 with a stop codon.
Molecular consequence: nonsense. On other transcripts: non-coding transcript variant (2).
Genome position (GRCh38, 1-based): chr10:68,206,847, T>A. VCF-style: chr10-68206847-T-A. GRCh37 (hg19) VCF-style: chr10-69966604-T-A.
Other names: c.3737T>A, p.Leu1246Ter (NM_001256267.2); c.2855T>A, p.Leu952Ter (NM_001256268.2); short protein forms L952*, L1246*.
Identifiers: ClinVar variation 3657394 (VCV003657394.2).

ClinVar aggregate classification (germline): Pathogenic (1 of 4 stars; one submission).

Conditions:
Dilated cardiomyopathy 1KK (CMD1KK). Identifiers: Orphanet 154, Orphanet 75249, MedGen C3714995, MONDO:0014100, OMIM 615248.

Submission:

Labcorp Genetics (formerly Invitae), Labcorp
Classification: Pathogenic for Dilated cardiomyopathy 1KK. Last evaluated: 2024-06-22. Review status: criteria provided, single submitter. Criteria: Invitae Variant Classification Sherloc (09022015). Collection method: clinical testing. Allele origin: germline.
Comment: This sequence change creates a premature translational stop signal (p.Leu1246*) in the MYPN gene. It is expected to result in an absent or disrupted protein product. Loss-of-function variants in MYPN are known to be pathogenic (PMID: 28017374). This variant is not present in population databases (gnomAD no frequency). This variant has not been reported in the literature in individuals affected with MYPN-related conditions. For these reasons, this variant has been classified as Pathogenic.

Literature cited by the submitters: PubMed 28017374.